The following is an entry in ClinVar:

ClinVar aggregate classification (germline): Uncertain significance. Review status: criteria provided, multiple submitters, no conflicts (2 of 4 stars). 3 submissions from 3 submitters: Uncertain significance (3). Last evaluated 2026-01-02.

Conditions:
BBS12-related disorder. Also called: BBS12-related condition.
Bardet-Biedl syndrome (BBS). Identifiers: Orphanet 110, MedGen C0752166, MONDO:0015229.
Bardet-Biedl syndrome 12 (BBS12). Identifiers: Orphanet 110, MedGen C1859570, MONDO:0014440, OMIM 615989.

Allele frequency attached by ClinVar (database versions not stated): gnomAD 0.00001; TOPMed 0.00001.
gnomAD v4.1: 15 of 1,614,040 alleles (0.00093%); highest among the groups gnomAD compares: African/African-American, 0.0053%; no homozygotes.

Submissions (3):

PreventionGenetics, part of Exact Sciences
Classification: Uncertain significance for BBS12-related condition. Last evaluated: 2026-01-02. Review status: criteria provided, single submitter. Criteria: ACMG Guidelines, 2015. Collection method: clinical testing. Allele origin: germline.
Comment: The BBS12 c.1573C>T variant is predicted to result in the amino acid substitution p.Arg525Cys. To our knowledge, this variant has not been reported in the literature. This variant is reported in 0.0062% of alleles in individuals of African descent in gnomAD. At this time, the clinical significance of this variant is uncertain due to the absence of conclusive functional and genetic evidence.

Fulgent Genetics
Classification: Uncertain significance for Bardet-Biedl syndrome 12. Last evaluated: 2024-06-13. Review status: criteria provided, single submitter. Criteria: ACMG Guidelines, 2015. Collection method: clinical testing. Allele origin: germline.

Labcorp Genetics (formerly Invitae), Labcorp
Classification: Uncertain significance for Bardet-Biedl syndrome. Last evaluated: 2022-09-26. Review status: criteria provided, single submitter. Criteria: Invitae Variant Classification Sherloc (09022015). Collection method: clinical testing. Allele origin: germline.
Comment: This sequence change replaces arginine, which is basic and polar, with cysteine, which is neutral and slightly polar, at codon 525 of the BBS12 protein (p.Arg525Cys). This variant is present in population databases (rs760420127, gnomAD 0.004%). This variant has not been reported in the literature in individuals affected with BBS12-related conditions. ClinVar contains an entry for this variant (Variation ID: 1351846). Advanced modeling of protein sequence and biophysical properties (such as structural, functional, and spatial information, amino acid conservation, physicochemical variation, residue mobility, and thermodynamic stability) performed at Invitae indicates that this missense variant is expected to disrupt BBS12 protein function. This variant disrupts the p.Arg525 amino acid residue in BBS12. Other variant(s) that disrupt this residue have been determined to be pathogenic (PMID: 20472660, 30614526). This suggests that this residue is clinically significant, and that variants that disrupt this residue are likely to be disease-causing. In summary, the available evidence is currently insufficient to determine the role of this variant in disease. Therefore, it has been classified as a Variant of Uncertain Significance.

Literature cited by the submitters: PubMed 20472660 (cited by Labcorp Genetics (formerly Invitae), Labcorp); PubMed 30614526 (cited by Labcorp Genetics (formerly Invitae), Labcorp).

NM_152618.3(BBS12):c.1573C>T (p.Arg525Cys)

Gene: BBS12 (Bardet-Biedl syndrome 12; plus strand). Cytogenetic location: 4q27.
Variant type: single nucleotide variant.
Coding change: c.1573C>T on transcript NM_152618.3 (MANE Select); coding-DNA position 1573, C replaced by T.
Protein change: p.Arg525Cys; replaces arginine 525 with cysteine.
Molecular consequence: missense variant.
Genome position (GRCh38, 1-based): chr4:122,743,465, C>T. VCF-style: chr4-122743465-C-T. GRCh37 (hg19) VCF-style: chr4-123664620-C-T.
Other names: c.1573C>T (NM_152618.2); c.1573C>T, p.Arg525Cys (NM_001178007.2); short protein forms R525C.
Identifiers: ClinVar variation 1351846 (VCV001351846.7), dbSNP rs760420127, ClinGen allele CA3069478.